The following is an entry in ClinVar:

NM_001876.4(CPT1A):c.846del (p.Leu281_Tyr282insTer)

Gene: CPT1A (carnitine palmitoyltransferase 1A; minus strand). Cytogenetic location: 11q13.3.
Variant type: Deletion.
Coding change: c.846del on transcript NM_001876.4 (MANE Select); coding-DNA position 846, one base deleted (C; older notation c.846delC).
Protein change: p.Leu281_Tyr282insTer.
Molecular consequence: nonsense. On other transcripts: intron variant (2).
Genome position (GRCh38, 1-based): chr11:68,794,837, G deleted on the plus strand (C on the coding strand, the reverse complement: CPT1A is on the minus strand). VCF-style (leftmost placement, unchanged base first): chr11-68794836-TG-T. GRCh37 (hg19) VCF-style: chr11-68562304-TG-T.
Other names: c.846del, p.Leu281_Tyr282insTer (NM_001031847.3, NM_001440358.1, NM_001440359.1 and 4 more transcripts); c.772-1435del (NM_001440363.1); c.694-1435del (NM_001440365.1).
Identifiers: ClinVar variation 4814981 (VCV004814981.1).

ClinVar aggregate classification (germline): Likely pathogenic (1 of 4 stars; one submission).

Conditions:
Carnitine palmitoyl transferase 1A deficiency. Also called: CPT I DEFICIENCY; CPT DEFICIENCY, HEPATIC, TYPE I; Carnitine palmitoyltransferase type I deficiency; CPT deficiency, hepatic, type IA; Carnitine palmitoyltransferase 1A deficiency. Identifiers: Orphanet 156, MedGen C1829703, MONDO:0009705, OMIM 255120.

Submission:

Natera, Inc.
Classification: Likely pathogenic for Carnitine palmitoyltransferase type I deficiency. Last evaluated: 2025-12-08. Review status: criteria provided, single submitter. Criteria: Natera Variant Classification Schema (03/2026). Collection method: clinical testing. Allele origin: germline.
Comment: The c.846del variant in CPT1A is a frameshift variant predicted to shift the reading frame and introduce a stop codon. This variant is expected to result in nonsense mediated decay, truncation, or a dysfunctional protein product. This variant is rare in the general population with a frequency below the threshold expected for the associated phenotype(s). Given the available evidence, this variant is classified as Likely Pathogenic.